The following is an entry in ClinVar:

NM_001846.4(COL4A2):c.1189+1G>A

Gene: COL4A2 (collagen type IV alpha 2 chain; plus strand). Cytogenetic location: 13q34.
Variant type: single nucleotide variant.
Coding change: c.1189+1G>A on transcript NM_001846.4 (MANE Select); the canonical splice donor site of the intron after coding-DNA position 1189, G replaced by A.
Molecular consequence: splice donor variant.
Genome position (GRCh38, 1-based): chr13:110,449,790, G>A. VCF-style: chr13-110449790-G-A. GRCh37 (hg19) VCF-style: chr13-111102137-G-A.
Identifiers: ClinVar variation 4688005 (VCV004688005.1).

ClinVar aggregate classification (germline): Likely pathogenic (1 of 4 stars; one submission).

Conditions:
Brain small vessel disease 2A, autosomal dominant. Also called: Porencephaly 2. Identifiers: Orphanet 2940, Orphanet 99810, MedGen C3280970, MONDO:0013773, OMIM 614483.

Submission:

Human Genetics Bochum, Ruhr University Bochum
Classification: Likely pathogenic for Brain small vessel disease 2A, autosomal dominant. Last evaluated: 2024-10-15. Review status: criteria provided, single submitter. Criteria: ACMG Guidelines, 2015. Collection method: clinical testing. Allele origin: germline. Affected: yes.
Comment: ACMG criteria used to clasify this variant: PVS1, PM2_SUP